The following is an entry in ClinVar:

ClinVar aggregate classification (germline): Pathogenic (1 of 4 stars; one submission).

Conditions:
Irido-corneo-trabecular dysgenesis (ASGD5). Also called: ANTERIOR SEGMENT DYSGENESIS 5. Identifiers: Orphanet 708, MedGen C0344559, MONDO:0011414, OMIM 604229, HP:0000659.
Aniridia 1 (AN1). Identifiers: Orphanet 250923, MedGen C0344542, MONDO:0024507, OMIM 106210.

Submission:

Labcorp Genetics (formerly Invitae), Labcorp
Classification: Pathogenic for Aniridia 1; Irido-corneo-trabecular dysgenesis. Last evaluated: 2021-12-18. Review status: criteria provided, single submitter. Criteria: Invitae Variant Classification Sherloc (09022015). Collection method: clinical testing. Allele origin: germline.
Comment: For these reasons, this variant has been classified as Pathogenic. Algorithms developed to predict the effect of sequence changes on RNA splicing suggest that this variant may create or strengthen a splice site. This variant is also known as Replacement 11bp of c.907-917 by (TCGGTA). This premature translational stop signal has been observed in individual(s) with aniridia (PMID: 10737978). Information on the frequency of this variant in the gnomAD database is not available, as this variant may be reported differently in the database. This sequence change creates a premature translational stop signal (p.Pro164Serfs*34) in the PAX6 gene. It is expected to result in an absent or disrupted protein product. Loss-of-function variants in PAX6 are known to be pathogenic (PMID: 12634864).

Literature cited by the submitters: PubMed 10737978; PubMed 12634864.

NM_001368894.2(PAX6):c.532_542delinsTCGGTA (p.Pro178fs)

Gene: PAX6 (paired box 6; minus strand). Cytogenetic location: 11p13.
Variant type: Indel.
Coding change: c.532_542delinsTCGGTA on transcript NM_001368894.2 (MANE Select); coding-DNA positions 532 to 542, CCGGGGACTTC replaced by TCGGTA.
Protein change: p.Pro178fs; shifts the reading frame from proline 178.
Molecular consequence: frameshift variant. On other transcripts: non-coding transcript variant (2).
Genome position (GRCh38, 1-based): chr11:31,800,714-31,800,724, GAAGTCCCCGG replaced by TACCGA on the plus strand (CCGGGGACTTC replaced by TCGGTA on the coding strand, the reverse complement: PAX6 is on the minus strand). VCF-style: chr11-31800714-GAAGTCCCCGG-TACCGA. GRCh37 (hg19) VCF-style: chr11-31822262-GAAGTCCCCGG-TACCGA.
Other names: c.490_500delinsTCGGTA, p.Pro164fs (NM_000280.6, NM_001127612.3, NM_001258464.2 and 10 more transcripts); c.532_542delinsTCGGTA, p.Pro178fs (NM_001258462.3, NM_001258463.2, NM_001310158.2 and 6 more transcripts); c.82_92delinsTCGGTA, p.Pro28fs (NM_001310160.2, NM_001310161.3, NM_001368899.2 and 11 more transcripts); c.733_743delinsTCGGTA, p.Pro245fs (NM_001368910.2); c.535_545delinsTCGGTA, p.Pro179fs (NM_001368911.2); c.607_617delinsTCGGTA, p.Pro203fs (NM_001368918.2, NM_001368919.2); c.565_575delinsTCGGTA, p.Pro189fs (NM_001368920.2); c.331_341delinsTCGGTA, p.Pro111fs (NM_001368921.2, NM_001368922.2, NM_001368923.2 and 4 more transcripts); and 1 more; short protein forms P189fs, P111fs, P164fs, P178fs, P179fs, P203fs, P245fs, P28fs.
Identifiers: ClinVar variation 2047311 (VCV002047311.4), dbSNP rs2495969092, ClinGen allele CA2580082915.
Genomic context (GRCh38, chr11:31,800,714, plus strand): 5'-ATATGGAGAGCTGCGTGGATGGCTGCTTGGGTTTTACCTTGCGTAGGTTGCCCTGGCACC[GAAGTCCCCGG>TACCGA]ATACCAACCAGGGCGGGTGCCCCAGCTTCCGGTCTGCCCGTTCAACATCCTTAGTTTATC-3'